The following is an entry in ClinVar:

NM_004544.4(NDUFA10):c.602C>A (p.Pro201His)

Gene: NDUFA10 (NADH:ubiquinone oxidoreductase subunit A10; minus strand). Cytogenetic location: 2q37.3.
Variant type: single nucleotide variant.
Coding change: c.602C>A on transcript NM_004544.4 (MANE Select); coding-DNA position 602, C replaced by A.
Protein change: p.Pro201His; replaces proline 201 with histidine.
Molecular consequence: missense variant. On other transcripts: non-coding transcript variant (4).
Genome position (GRCh38, 1-based): chr2:240,014,806, G>T on the plus strand (C>A on the coding strand, the complement: NDUFA10 is on the minus strand). VCF-style: chr2-240014806-G-T. GRCh37 (hg19) VCF-style: chr2-240954223-G-T.
Other names: c.602C>A, p.Pro201His (NM_001322019.2, NM_001322020.2, NM_001410987.1); short protein forms P201H.
Identifiers: ClinVar variation 4881985 (VCV004881985.2).

ClinVar aggregate classification (germline): Uncertain significance (1 of 4 stars; one submission).

Conditions:
Mitochondrial complex I deficiency, nuclear type 22. Also called: Mitochondrial complex 1 deficiency, nuclear type 22. Identifiers: MedGen C4748796, MONDO:0032626, OMIM 618243.

Submission:

Dasa
Classification: Uncertain significance for Mitochondrial complex I deficiency, nuclear type 22. Last evaluated: 2025-08-26. Review status: criteria provided, single submitter. Criteria: DASA Assertion Criteria. Collection method: clinical testing. Allele origin: germline.
Comment: NM_004544.4(NDUFA10):c.602C>A (p.Pro201His) is a missense variant that results in the substitution of proline with histidine. This variant is absent from population databases. Computational prediction algorithms are consistent with a deleterious effect. The currently available literature and clinical evidence are not sufficient to establish a definitive association between this variant and the reported condition. Therefore, this variant is classified as a variant of uncertain significance.